The following is an entry in ClinVar:

NM_000321.3(RB1):c.49G>A (p.Ala17Thr)

Gene: RB1 (RB transcriptional corepressor 1; plus strand). Cytogenetic location: 13q14.2.
Variant type: single nucleotide variant.
Coding change: c.49G>A on transcript NM_000321.3 (MANE Select); coding-DNA position 49, G replaced by A.
Protein change: p.Ala17Thr; replaces alanine 17 with threonine.
Molecular consequence: missense variant.
Genome position (GRCh38, 1-based): chr13:48,303,961, G>A. VCF-style: chr13-48303961-G-A. GRCh37 (hg19) VCF-style: chr13-48878097-G-A.
Other names: short protein forms A17T.
Identifiers: ClinVar variation 998774 (VCV000998774.14), dbSNP rs1566174092, ClinGen allele CA388250222.
Genomic context (GRCh38, chr13:48,303,961, plus strand): 5'-CGGAAAGGCGTCATGCCGCCCAAAACCCCCCGAAAAACGGCCGCCACCGCCGCCGCTGCC[G>A]CCGCGGAACCCCCGGCACCGCCGCCGCCGCCCCCTCCTGAGGAGGACCCAGAGCAGGACA-3'
Protein context (NP_000312.2, residues 7-27): RKTAATAAAA[Ala17Thr]AEPPAPPPPP

ClinVar aggregate classification (germline): Uncertain significance. Review status: criteria provided, multiple submitters, no conflicts (2 of 4 stars). 2 submissions from 2 submitters: Uncertain significance (2). Last evaluated 2025-08-28.

Conditions:
Hereditary cancer-predisposing syndrome. Also called: Neoplastic Syndromes, Hereditary; Tumor predisposition; Hereditary Cancer Syndrome; Hereditary neoplastic syndrome. Identifiers: Orphanet 140162, MedGen C0027672, MeSH D009386, MONDO:0015356.
Retinoblastoma (RB1). Also called: RETINOBLASTOMA, SOMATIC. Identifiers: Orphanet 790, MedGen C0035335, MeSH D012175, MONDO:0008380, OMIM 180200, HP:0009919. Disease mechanism: loss of function. Inheritance: Both sporadic and heritable forms are tested..

Allele frequency attached by ClinVar (database versions not stated): gnomAD exomes below 0.00001.
gnomAD v4.1: 1 of 1,508,914 alleles (0.000066%); highest among the groups gnomAD compares: East Asian, 0.0027%; no homozygotes.

Submissions (2):

Ambry Genetics
Classification: Uncertain significance for Hereditary cancer-predisposing syndrome. Last evaluated: 2025-08-28. Review status: criteria provided, single submitter. Criteria: Ambry Variant Classification Scheme 2023. Collection method: clinical testing. Allele origin: germline.
Comment: The p.A17T variant (also known as c.49G>A), located in coding exon 1 of the RB1 gene, results from a G to A substitution at nucleotide position 49. The alanine at codon 17 is replaced by threonine, an amino acid with similar properties. This amino acid position is well conserved in available vertebrate species. In addition, the in silico prediction for this alteration is inconclusive. Since supporting evidence is limited at this time, the clinical significance of this alteration remains unclear.

Labcorp Genetics (formerly Invitae), Labcorp
Classification: Uncertain significance for Retinoblastoma. Last evaluated: 2020-07-02. Review status: criteria provided, single submitter. Criteria: Invitae Variant Classification Sherloc (09022015). Collection method: clinical testing. Allele origin: germline.
Comment: Experimental studies and prediction algorithms are not available or were not evaluated, and the functional significance of this variant is currently unknown. In summary, the available evidence is currently insufficient to determine the role of this variant in disease. Therefore, it has been classified as a Variant of Uncertain Significance. This variant has not been reported in the literature in individuals with RB1-related conditions. The frequency data for this variant in the population databases is considered unreliable, as metrics indicate insufficient coverage at this position in the ExAC database. This sequence change replaces alanine with threonine at codon 17 of the RB1 protein (p.Ala17Thr). The alanine residue is moderately conserved and there is a small physicochemical difference between alanine and threonine.